The following is an entry in ClinVar:

ClinVar aggregate classification (germline): Conflicting classifications of pathogenicity. Review status: criteria provided, conflicting classifications (1 of 4 stars). 7 submissions from 7 submitters: Uncertain significance (1); Likely benign (6). Last evaluated 2026-04-29.

Conditions:
Cardiovascular phenotype. Identifiers: MedGen CN230736.
Long QT syndrome (LQTS). Identifiers: MedGen C0023976, MeSH D008133, MONDO:0002442. Disease mechanism: loss of function. Inheritance: Various modes of inheritance.

Allele frequency attached by ClinVar (database versions not stated): ExAC 0.00002; gnomAD exomes 0.00002 and 0.00008; gnomAD 0.00005 and 0.00006; TOPMed 0.00006; 1000 Genomes Project 30x 0.00016; 1000 Genomes Project 0.00020.
gnomAD v4.1: 81 of 1,614,078 alleles (0.005%); highest among the groups gnomAD compares: East Asian, 0.065%; no homozygotes.

Submissions (7):

Women's Health and Genetics/Laboratory Corporation of America, LabCorp
Classification: Likely benign. Last evaluated: 2026-04-29. Review status: criteria provided, single submitter. Criteria: LabCorp Variant Classification Summary - May 2015. Collection method: clinical testing. Allele origin: germline.
Comment: Variant summary: ANK2 c.8324A>G (p.His2775Arg) results in a non-conservative amino acid change in the encoded protein sequence. Algorithms developed to predict the effect of missense changes on protein structure and function are either unavailable or do not agree on the potential impact of this missense change. The variant allele was found at a frequency of 7.6e-05 in 249628 control chromosomes, predominantly at a frequency of 0.00093 within the East Asian subpopulation in the gnomAD database. The observed variant frequency within East Asian control individuals in the gnomAD database exceeds the estimated maximal expected allele frequency for disease-causing variants in ANK2. c.8324A>G has been observed in a setting of whole exome sequencing in one individual affected with tachycardia, without strong evidence for causality (Luo_2020) These report(s) do not provide unequivocal conclusions about association of the variant with Arrhythmia. To our knowledge, no experimental evidence demonstrating an impact on protein function has been reported. The following publication have been ascertained in the context of this evaluation (PMID: 32508047). ClinVar contains an entry for this variant (Variation ID: 191195). Based on the evidence outlined above, the variant was classified as likely benign.

Labcorp Genetics (formerly Invitae), Labcorp
Classification: Likely benign for Long QT syndrome. Last evaluated: 2026-01-10. Review status: criteria provided, single submitter. Criteria: Invitae Variant Classification Sherloc (09022015). Collection method: clinical testing. Allele origin: germline.

CeGaT Center for Human Genetics Tuebingen
Classification: Likely benign. Last evaluated: 2025-05-01. Review status: criteria provided, single submitter. Criteria: CeGaT Center For Human Genetics Tuebingen Variant Classification Criteria Version 2. Collection method: clinical testing. Allele origin: germline. Affected: yes. Observed: 1 variant allele.
Comment: ANK2: BP4

Blueprint Genetics
Classification: Likely benign. Last evaluated: 2024-05-16. Review status: criteria provided, single submitter. Criteria: ACMG Guidelines, 2015. Collection method: clinical testing. Allele origin: germline.

Genomic Medicine Center of Excellence, King Faisal Specialist Hospital and Research Centre
Classification: Uncertain significance. Last evaluated: 2024-02-14. Review status: criteria provided, single submitter. Criteria: ACMG Guidelines, 2015. Collection method: research. Allele origin: germline. Affected: yes.
Comment: reclassified to VUS based on updated frequency (PMID: 31130284)

Ambry Genetics
Classification: Likely benign for Cardiovascular phenotype. Last evaluated: 2021-12-19. Review status: criteria provided, single submitter. Criteria: Ambry Variant Classification Scheme 2023. Collection method: clinical testing. Allele origin: germline.

GeneDx
Classification: Likely benign. Last evaluated: 2019-11-14. Review status: criteria provided, single submitter. Criteria: GeneDx Variant Classification Process June 2021. Collection method: clinical testing. Allele origin: germline. Affected: yes.

Literature cited by the submitters: PubMed 32508047 (cited by Women's Health and Genetics/Laboratory Corporation of America, LabCorp); 31130284 (cited by Genomic Medicine Center of Excellence, King Faisal Specialist Hospital and Research Centre).

NM_001148.6(ANK2):c.8324A>G (p.His2775Arg)

Gene: ANK2 (ankyrin 2; plus strand). Cytogenetic location: 4q26.
Variant type: single nucleotide variant.
Coding change: c.8324A>G on transcript NM_001148.6 (MANE Select); coding-DNA position 8324, A replaced by G.
Protein change: p.His2775Arg; replaces histidine 2775 with arginine.
Molecular consequence: missense variant. On other transcripts: intron variant (68).
Genome position (GRCh38, 1-based): chr4:113,356,942, A>G. VCF-style: chr4-113356942-A-G. GRCh37 (hg19) VCF-style: chr4-114278098-A-G.
Other names: c.8090A>G, p.His2697Arg (NM_001386142.1); c.4724A>G, p.His1575Arg (NM_001386166.1); c.8465A>G, p.His2822Arg (NM_001386174.1); c.8441A>G, p.His2814Arg (NM_001386175.1); c.4412-3881A>G (NM_001386186.2, NM_001386148.2); c.4214-3881A>G (NM_001354269.3); c.4292-3881A>G (NM_001386187.2); c.4253-3881A>G (NM_001386147.1); and 35 more; short protein forms H2775R, H1575R, H2697R, H2814R, H2822R.
Identifiers: ClinVar variation 191195 (VCV000191195.28), dbSNP rs534934297, ClinGen allele CA236226.